The following is an entry in ClinVar:

ClinVar aggregate classification (germline): Uncertain significance (1 of 4 stars; one submission).

Conditions:
Primary ciliary dyskinesia. Also called: Ciliary dyskinesia. Identifiers: Orphanet 244, MedGen C0008780, MONDO:0016575, HP:0012265.

Allele frequency attached by ClinVar (database versions not stated): gnomAD exomes 0.00001; TOPMed 0.00001.
gnomAD v4.1: 12 of 1,614,104 alleles (0.00074%); highest among the groups gnomAD compares: Non-Finnish European, 0.001%; no homozygotes.

Submission:

Labcorp Genetics (formerly Invitae), Labcorp
Classification: Uncertain significance for Primary ciliary dyskinesia. Last evaluated: 2022-08-01. Review status: criteria provided, single submitter. Criteria: Invitae Variant Classification Sherloc (09022015). Collection method: clinical testing. Allele origin: germline.
Comment: Algorithms developed to predict the effect of missense changes on protein structure and function output the following: SIFT: "Tolerated"; PolyPhen-2: "Benign"; Align-GVGD: "Class C0". The aspartic acid amino acid residue is found in multiple mammalian species, which suggests that this missense change does not adversely affect protein function. This variant has not been reported in the literature in individuals affected with DNAAF5-related conditions. This variant is not present in population databases (gnomAD no frequency). This sequence change replaces asparagine, which is neutral and polar, with aspartic acid, which is acidic and polar, at codon 726 of the DNAAF5 protein (p.Asn726Asp). In summary, the available evidence is currently insufficient to determine the role of this variant in disease. Therefore, it has been classified as a Variant of Uncertain Significance.

NM_017802.4(DNAAF5):c.2176A>G (p.Asn726Asp)

Gene: DNAAF5 (dynein axonemal assembly factor 5; plus strand). Cytogenetic location: 7p22.3.
Variant type: single nucleotide variant.
Coding change: c.2176A>G on transcript NM_017802.4 (MANE Select); coding-DNA position 2176, A replaced by G.
Protein change: p.Asn726Asp; replaces asparagine 726 with aspartic acid.
Molecular consequence: missense variant. On other transcripts: non-coding transcript variant (1).
Genome position (GRCh38, 1-based): chr7:775,099, A>G. VCF-style: chr7-775099-A-G. GRCh37 (hg19) VCF-style: chr7-814736-A-G.
Other names: short protein forms N726D.
Identifiers: ClinVar variation 2155850 (VCV002155850.4), dbSNP rs1046740643, ClinGen allele CA152354036.